The following is an entry in ClinVar:

ClinVar aggregate classification (germline): Uncertain significance. Review status: criteria provided, single submitter (1 of 4 stars). 2 submissions from 2 submitters: Uncertain significance (1). 1 of the submissions does not count toward it. Last evaluated 2025-05-26.

Conditions:
ARSD-related disorder. Also called: ARSD-related condition.

Allele frequency attached by ClinVar (database versions not stated): gnomAD exomes 0.00006; gnomAD 0.00007; TOPMed 0.00012; ExAC 0.00018; 1000 Genomes Project 30x 0.00042; 1000 Genomes Project 0.00053.
gnomAD v4.1: 80 of 1,210,336 alleles (0.0066%); highest among the groups gnomAD compares: East Asian, 0.16%; no homozygotes.

Submissions (2):

Ambry Genetics
Classification: Uncertain significance. Last evaluated: 2025-05-26. Review status: criteria provided, single submitter. Criteria: Ambry Variant Classification Scheme 2023. Collection method: clinical testing. Allele origin: germline.

PreventionGenetics, part of Exact Sciences
Classification: Likely benign for ARSD-related condition. Last evaluated: 2022-03-01. Review status: no assertion criteria provided. Collection method: clinical testing. Allele origin: germline. Not counted in ClinVar's aggregate classification.
Comment: This variant is classified as likely benign based on ACMG/AMP sequence variant interpretation guidelines (Richards et al. 2015 PMID: 25741868, with internal and published modifications).

NM_001669.4(ARSD):c.1616C>A (p.Ala539Asp)

Gene: ARSD (arylsulfatase D; minus strand). Cytogenetic location: Xp22.33.
Variant type: single nucleotide variant.
Coding change: c.1616C>A on transcript NM_001669.4 (MANE Select); coding-DNA position 1616, C replaced by A.
Protein change: p.Ala539Asp; replaces alanine 539 with aspartic acid.
Molecular consequence: missense variant.
Genome position (GRCh38, 1-based): chrX:2,907,437, G>T on the plus strand (C>A on the coding strand, the complement: ARSD is on the minus strand). VCF-style: chrX-2907437-G-T. GRCh37 (hg19) VCF-style: chrX-2825478-G-T.
Other names: short protein forms A539D.
Identifiers: ClinVar variation 2458188 (VCV002458188.5), dbSNP rs201828808, ClinGen allele CA10337402.